The following is an entry in ClinVar:

ClinVar aggregate classification (germline): Likely benign (1 of 4 stars; one submission).

Submission:

CeGaT Center for Human Genetics Tuebingen
Classification: Likely benign. Last evaluated: 2024-05-01. Review status: criteria provided, single submitter. Criteria: CeGaT Center For Human Genetics Tuebingen Variant Classification Criteria Version 2. Collection method: clinical testing. Allele origin: germline. Affected: yes. Observed: 1 variant allele.
Comment: MUC17: BP4, BP7

NM_001040105.2(MUC17):c.9078C>T (p.Ser3026=)

Gene: MUC17 (mucin 17, cell surface associated; plus strand). Cytogenetic location: 7q22.1.
Variant type: single nucleotide variant.
Coding change: c.9078C>T on transcript NM_001040105.2 (MANE Select); coding-DNA position 9078, C replaced by T.
Protein change: p.Ser3026=; no amino-acid change (serine 3026 retained).
Molecular consequence: synonymous variant. On other transcripts: non-coding transcript variant (1).
Genome position (GRCh38, 1-based): chr7:101,040,494, C>T. VCF-style: chr7-101040494-C-T. GRCh37 (hg19) VCF-style: chr7-100683775-C-T.
Identifiers: ClinVar variation 3239246 (VCV003239246.19), dbSNP rs768065045.
Genomic context (GRCh38, chr7:101,040,494, plus strand): 5'-CCTTTCAAGAACTCCTGCTGACACCAGCACACCTGTGACCACTTCTACTGAAGCCAGTTC[C>T]TCTCCTACAACTGCTGAAGGTACCGGCATACCAATCTCAACTCCTAGTGAAGGAAGTACT-3'
Protein context (NP_001035194.1, residues 3016-3036): TPVTTSTEAS[Ser3026=]SPTTAEGTGI